The following is an entry in ClinVar:

NM_000059.4(BRCA2):c.1714G>A (p.Val572Ile)

Gene: BRCA2 (BRCA2 DNA repair associated; plus strand). Cytogenetic location: 13q13.1.
Variant type: single nucleotide variant.
Coding change: c.1714G>A on transcript NM_000059.4 (MANE Select); coding-DNA position 1714, G replaced by A.
Protein change: p.Val572Ile; replaces valine 572 with isoleucine.
Molecular consequence: missense variant.
Genome position (GRCh38, 1-based): chr13:32,333,192, G>A. VCF-style: chr13-32333192-G-A. GRCh37 (hg19) VCF-style: chr13-32907329-G-A.
Other names: short protein forms V572I.
Identifiers: ClinVar variation 142782 (VCV000142782.32), dbSNP rs587782713, ClinGen allele CA012979.
Genomic context (GRCh38, chr13:32,333,192, plus strand): 5'-TCCTTATGTCCAAATTTAATTGATAATGGAAGCTGGCCAGCCACCACCACACAGAATTCT[G>A]TAGCTTTGAAGAATGCAGGTTTAATATCCACTTTGAAAAAGAAAACAAATAAGTTTATTT-3'
Protein context (NP_000050.3, residues 562-582): SWPATTTQNS[Val572Ile]ALKNAGLIST

ClinVar aggregate classification (germline): Conflicting classifications of pathogenicity. Review status: criteria provided, conflicting classifications (1 of 4 stars). 13 submissions from 13 submitters: Uncertain significance (8); Likely benign (3). 2 of the submissions do not count toward it. Last evaluated 2026-01-12.

Conditions:
BRCA2-related cancer predisposition. Identifiers: MedGen CN377758, MONDO:0700269.
Hereditary cancer-predisposing syndrome. Also called: Tumor predisposition; Neoplastic Syndromes, Hereditary; Hereditary neoplastic syndrome; Hereditary Cancer Syndrome. Identifiers: Orphanet 140162, MedGen C0027672, MeSH D009386, MONDO:0015356.
Hereditary breast ovarian cancer syndrome. Also called: Hereditary breast and ovarian cancer; Hereditary breast and ovarian cancer syndrome (HBOC); Hereditary breast and ovarian cancer syndrome; BRCA1- and BRCA2-Associated Hereditary Breast and Ovarian Cancer; Breast and ovarian cancer; Hereditary breast and/or ovarian cancer syndrome. Identifiers: Orphanet 145, MedGen C0677776, MeSH D061325, MONDO:0003582. Disease mechanism: loss of function.
Breast-ovarian cancer, familial, susceptibility to, 2 (BROVCA2). Also called: BRCA2 Hereditary Breast and Ovarian Cancer. Identifiers: Orphanet 145, MedGen C2675520, MONDO:0012933, OMIM 612555. Disease mechanism: loss of function.

Allele frequency attached by ClinVar (database versions not stated): gnomAD below 0.00001 and 0.00001; TOPMed 0.00001; ExAC 0.00004.
gnomAD v4.1: 34 of 1,613,764 alleles (0.0021%); highest among the groups gnomAD compares: South Asian, 0.033%; no homozygotes.

Submissions (13):

Labcorp Genetics (formerly Invitae), Labcorp
Classification: Uncertain significance for Hereditary breast ovarian cancer syndrome. Last evaluated: 2026-01-12. Review status: criteria provided, single submitter. Criteria: Invitae Variant Classification Sherloc (09022015). Collection method: clinical testing. Allele origin: germline.
Comment: This sequence change replaces valine, which is neutral and non-polar, with isoleucine, which is neutral and non-polar, at codon 572 of the BRCA2 protein (p.Val572Ile). This variant is present in population databases (rs587782713, gnomAD 0.03%). This missense change has been observed in individual(s) with breast and/or ovarian cancer (PMID: 23683081, 29021639). ClinVar contains an entry for this variant (Variation ID: 142782). Invitae Evidence Modeling of protein sequence and biophysical properties (such as structural, functional, and spatial information, amino acid conservation, physicochemical variation, residue mobility, and thermodynamic stability) indicates that this missense variant is not expected to disrupt BRCA2 protein function with a negative predictive value of 95%. In summary, the available evidence is currently insufficient to determine the role of this variant in disease. Therefore, it has been classified as a Variant of Uncertain Significance.

Women's Health and Genetics/Laboratory Corporation of America, LabCorp
Classification: Uncertain significance. Last evaluated: 2025-05-27. Review status: criteria provided, single submitter. Criteria: LabCorp Variant Classification Summary - May 2015. Collection method: clinical testing. Allele origin: germline.
Comment: Variant summary: BRCA2 c.1714G>A (p.Val572Ile) results in a conservative amino acid change in the encoded protein sequence. Algorithms developed to predict the effect of missense changes on protein structure and function all suggest that this variant is likely to be tolerated. The variant allele was found at a frequency of 4e-05 in 251132 control chromosomes. This frequency is not significantly higher than estimated for a pathogenic variant in BRCA2 causing Hereditary Breast And Ovarian Cancer Syndrome (4e-05 vs 0.00075), allowing no conclusion about variant significance. c.1714G>A has been observed in individual(s) affected with Hereditary Breast And Ovarian Cancer Syndrome (Blay_2013). These report(s) do not provide unequivocal conclusions about association of the variant with Hereditary Breast And Ovarian Cancer Syndrome. To our knowledge, no experimental evidence demonstrating an impact on protein function has been reported. The following publication have been ascertained in the context of this evaluation (PMID: 23683081). ClinVar contains an entry for this variant (Variation ID: 142782). Based on the evidence outlined above, the variant was classified as uncertain significance.

Color Diagnostics, LLC DBA Color Health
Classification: Likely benign for Hereditary cancer-predisposing syndrome. Last evaluated: 2024-10-01. Review status: criteria provided, single submitter. Criteria: ACMG Guidelines, 2015. Collection method: clinical testing. Allele origin: germline.

All of Us Research Program, National Institutes of Health
Classification: Uncertain significance for BRCA2-related cancer predisposition. Last evaluated: 2024-03-05. Review status: criteria provided, single submitter. Criteria: ACMG Guidelines, 2015. Collection method: clinical testing. Allele origin: germline. Inheritance: Autosomal dominant inheritance. Observed: 2 variant alleles, 2 heterozygotes.
Comment: This missense variant replaces valine with isoleucine at codon 572 of the BRCA2 protein. Computational prediction suggests that this variant may not impact protein structure and function (internally defined REVEL score threshold <= 0.5, PMID: 27666373). To our knowledge, functional studies have not been reported for this variant. This variant has been reported in an individual affected with breast cancer and a suspected hereditary breast and ovarian cancer family and also in a breast cancer case-control meta-analysis in 1/60466 cases and 2/53461 unaffected individuals (PMID: 23683081, 29021639, 33471991; Leiden Open Variation Database DB-ID BRCA2_002659). This variant has been identified in 10/251132 chromosomes in the general population by the Genome Aggregation Database (gnomAD). The available evidence is insufficient to determine the role of this variant in disease conclusively. Therefore, this variant is classified as a Variant of Uncertain Significance.

This study involves interpretation of variants in research participants for the purpose of population health screening. Participant phenotype was not available at the time of variant classification. Additional details can be found in publication PMID: 35346344, PMCID: PMC8962531

Neuberg Centre For Genomic Medicine, NCGM
Classification: Uncertain significance for Breast-ovarian cancer, familial, susceptibility to, 2. Last evaluated: 2024-02-01. Review status: criteria provided, single submitter. Criteria: ACMG Guidelines, 2015. Collection method: clinical testing. Allele origin: germline. Inheritance: Autosomal dominant inheritance.
Comment: The missense c.1714G>A(p.Val572Ile) variant in BRCA2 gene has been reported previously in individual(s) affected with Hereditary cancer syndrome (Sokolenko AP, et al., 2023; Blay P, et al., 2013). The p.Val572Ile variant is present with allele frequency of 0.004% in gnomAD Exomes. This variant has been submitted to the ClinVar database as Benign / Likely Benign / Uncertain Significance (multiple submissions). Multiple lines of computational evidences (SIFT - Tolerated and MutationTaster - Polymorphism) predict no damaging effect on protein structure and function for this variant. The reference amino acid at this position on BRCA2 gene is predicted as conserved by GERP++ and PhyloP across 100 vertebrates. The amino acid Val at position 572 is changed to a Ile changing protein sequence and it might alter its composition and physicochemical properties. Additional functional evidence will be required to prove the pathogenicity of the variant conclusively. For these reasons, this variant has been classified as a Variant of Uncertain Significance (VUS).

GeneDx
Classification: Uncertain significance. Last evaluated: 2023-07-14. Review status: criteria provided, single submitter. Criteria: GeneDx Variant Classification Process June 2021. Collection method: clinical testing. Allele origin: germline. Affected: yes.
Comment: In silico analysis supports that this missense variant does not alter protein structure/function; Also known as 1942G>A; This variant is associated with the following publications: (PMID: 29021639, 31911673, 32377563, 29884841, 23683081, 36000185)

University of Washington Department of Laboratory Medicine, University of Washington
Classification: Likely benign for Hereditary cancer-predisposing syndrome. Last evaluated: 2023-03-23. Review status: criteria provided, single submitter. Criteria: Dines et al. (Genet Med. 2020). Collection method: curation. Allele origin: germline.
Comment: Missense variant in a coldspot region where missense variants are very unlikely to be pathogenic (PMID:31911673).

BRCA2 exon 10 coldspot. Reclassification based on statistical prior probability.

Ambry Genetics
Classification: Likely benign for Hereditary cancer-predisposing syndrome. Last evaluated: 2022-11-08. Review status: criteria provided, single submitter. Criteria: Ambry Variant Classification Scheme 2023. Collection method: clinical testing. Allele origin: germline.

Department of Pathology and Laboratory Medicine, Sinai Health System
Classification: Uncertain significance for BRCA2-related cancer predisposition. Last evaluated: 2022-07-21. Review status: criteria provided, single submitter. Criteria: ACMG Guidelines, 2015. Collection method: clinical testing. Allele origin: germline. Affected: no.

Quest Diagnostics Nichols Institute San Juan Capistrano
Classification: Uncertain significance. Last evaluated: 2020-10-26. Review status: criteria provided, single submitter. Criteria: Quest Diagnostics criteria. Collection method: clinical testing. Allele origin: unknown.

Mendelics
Classification: Uncertain significance for Breast-ovarian cancer, familial, susceptibility to, 2. Last evaluated: 2019-05-28. Review status: criteria provided, single submitter. Criteria: Mendelics Assertion Criteria 2017. Collection method: clinical testing. Allele origin: unknown.

Department of Medical and Surgical Sciences, University of Bologna
Classification: Benign for Breast-ovarian cancer, familial, susceptibility to, 2. Last evaluated: 2023-09-01. Review status: no assertion criteria provided. Collection method: clinical testing. Allele origin: germline. Affected: yes. Not counted in ClinVar's aggregate classification.
Comment: BS1(Strong)+BP1(Strong) according to ACMG/AMP classification guidelines specified for BRCA1 & BRCA2 (Classification Criteria V1.0.0 2023-09-08) (PMID: 38160042)

Counsyl
Classification: Uncertain significance for Breast-ovarian cancer, familial, susceptibility to, 2. Last evaluated: 2015-11-21. Review status: no assertion criteria provided. Collection method: clinical testing. Allele origin: unknown. Not counted in ClinVar's aggregate classification.

Literature cited by the submitters: PubMed 23683081 (cited by 6 submitters); PubMed 29021639 (cited by 4 submitters); PubMed 33471991 (cited by All of Us Research Program, National Institutes of Health).